The following is an entry in ClinVar:

NM_020693.4(DSCAML1):c.5750G>C (p.Arg1917Pro)

Gene: DSCAML1 (DS cell adhesion molecule like 1; minus strand). Cytogenetic location: 11q23.3.
Variant type: single nucleotide variant.
Coding change: c.5750G>C on transcript NM_020693.4 (MANE Select); coding-DNA position 5750, G replaced by C.
Protein change: p.Arg1917Pro; replaces arginine 1917 with proline.
Molecular consequence: missense variant.
Genome position (GRCh38, 1-based): chr11:117,428,740, C>G on the plus strand (G>C on the coding strand, the complement: DSCAML1 is on the minus strand). VCF-style: chr11-117428740-C-G. GRCh37 (hg19) VCF-style: chr11-117299456-C-G.
Other names: short protein forms R1917P.
Identifiers: ClinVar variation 2812621 (VCV002812621.3), dbSNP rs139063739, ClinGen allele CA382751471.

ClinVar aggregate classification (germline): Uncertain significance (1 of 4 stars; one submission).

gnomAD v4.1: 2 of 1,612,810 alleles (0.00012%); highest among the groups gnomAD compares: African/African-American, 0.0013%; no homozygotes.

Submission:

Labcorp Genetics (formerly Invitae), Labcorp
Classification: Uncertain significance. Last evaluated: 2022-11-07. Review status: criteria provided, single submitter. Criteria: Invitae Variant Classification Sherloc (09022015). Collection method: clinical testing. Allele origin: germline.
Comment: In summary, the available evidence is currently insufficient to determine the role of this variant in disease. Therefore, it has been classified as a Variant of Uncertain Significance. Algorithms developed to predict the effect of missense changes on protein structure and function (SIFT, PolyPhen-2, Align-GVGD) all suggest that this variant is likely to be tolerated. This variant has not been reported in the literature in individuals affected with DSCAML1-related conditions. This variant is not present in population databases (gnomAD no frequency). This sequence change replaces arginine, which is basic and polar, with proline, which is neutral and non-polar, at codon 1977 of the DSCAML1 protein (p.Arg1977Pro).